The following is an entry in ClinVar:

ClinVar aggregate classification (germline): Benign. Review status: criteria provided, multiple submitters, no conflicts (2 of 4 stars). 6 submissions from 6 submitters: Benign (4). 2 of the submissions do not count toward it. Last evaluated 2026-02-04.

Conditions:
PDHX-related disorder. Also called: PDHX-related condition.
Pyruvate dehydrogenase E3-binding protein deficiency (PDHXD). Also called: PYRUVATE HYDROGENASE E3-BINDING PROTEIN DEFICIENCY; Lacticacidemia due to PDX1 deficiency; E3-Binding Protein (Component X) Deficiency; LACTIC ACIDEMIA DUE TO DEFECT IN LIPOYL-CONTAINING COMPONENT X OF THE PYRUVATE DEHYDROGENASE COMPLEX. Identifiers: Orphanet 255182, MedGen C1855553, MONDO:0009503, OMIM 245349.

Allele frequency attached by ClinVar (database versions not stated): gnomAD exomes 0.01292; ExAC 0.01537; gnomAD 0.04755 and 0.05105; 1000 Genomes Project 0.05431; TOPMed 0.05580; ESP Exome Variant Server 0.05615; 1000 Genomes Project 30x 0.05809.
gnomAD v4.1: 15,085 of 1,596,652 alleles (0.94%); highest among the groups gnomAD compares: African/African-American, 17%; 1,076 homozygotes.

Submissions (6):

Labcorp Genetics (formerly Invitae), Labcorp
Classification: Benign. Last evaluated: 2026-02-04. Review status: criteria provided, single submitter. Criteria: Invitae Variant Classification Sherloc (09022015). Collection method: clinical testing. Allele origin: germline.

Illumina Laboratory Services, Illumina
Classification: Benign for Pyruvate dehydrogenase E3-binding protein deficiency. Last evaluated: 2018-01-13. Review status: criteria provided, single submitter. Criteria: ICSL Variant Classification Criteria 13 December 2019. Collection method: clinical testing. Allele origin: germline.
Comment: This variant was observed in the ICSL laboratory as part of a predisposition screen in an ostensibly healthy population. It had not been previously curated by ICSL or reported in the Human Gene Mutation Database (HGMD: prior to June 1st, 2018), and was therefore a candidate for classification through an automated scoring system. Utilizing variant allele frequency, disease prevalence and penetrance estimates, and inheritance mode, an automated score was calculated to assess if this variant is too frequent to cause the disease. Based on the score and internal cut-off values, a variant classified as benign is not then subjected to further curation. The score for this variant resulted in a classification of benign for this disease.

GeneDx
Classification: Benign. Last evaluated: 2014-01-04. Review status: criteria provided, single submitter. Criteria: GeneDx Variant Classification (06012015). Collection method: clinical testing. Allele origin: germline. Affected: yes.
Comment: This variant is considered likely benign or benign based on one or more of the following criteria: it is a conservative change, it occurs at a poorly conserved position in the protein, it is predicted to be benign by multiple in silico algorithms, and/or has population frequency not consistent with disease.

Breakthrough Genomics
Classification: Benign. Review status: criteria provided, single submitter. Criteria: ACMG Guidelines, 2015. Collection method: not provided. Allele origin: germline. Inheritance: Autosomal recessive inheritance. Affected: yes.

PreventionGenetics, part of Exact Sciences
Classification: Benign for PDHX-related condition. Last evaluated: 2019-12-09. Review status: no assertion criteria provided. Collection method: clinical testing. Allele origin: germline. Not counted in ClinVar's aggregate classification.
Comment: This variant is classified as benign based on ACMG/AMP sequence variant interpretation guidelines (Richards et al. 2015 PMID: 25741868, with internal and published modifications).

Mayo Clinic Laboratories, Mayo Clinic
Classification: Benign. Last evaluated: 2017-08-21. Review status: no assertion criteria provided. Collection method: clinical testing. Allele origin: unknown. Not counted in ClinVar's aggregate classification.

NM_003477.3(PDHX):c.339C>T (p.Ile113=)

Gene: PDHX (pyruvate dehydrogenase complex component X; plus strand). Cytogenetic location: 11p13.
Variant type: single nucleotide variant.
Coding change: c.339C>T on transcript NM_003477.3 (MANE Select); coding-DNA position 339, C replaced by T.
Protein change: p.Ile113=; no amino-acid change (isoleucine 113 retained).
Molecular consequence: synonymous variant.
Genome position (GRCh38, 1-based): chr11:34,947,603, C>T. VCF-style: chr11-34947603-C-T. GRCh37 (hg19) VCF-style: chr11-34969150-C-T.
Other names: p.I113I:ATC>ATT; c.159C>T, p.Ile53= (NM_001135024.2); c.339C>T, p.Ile113= (NM_001166158.2).
Identifiers: ClinVar variation 138657 (VCV000138657.20), dbSNP rs34582941, ClinGen allele CA292737.